The following is an entry in ClinVar:

NM_006899.5(IDH3B):c.916-10C>T

Gene: IDH3B (isocitrate dehydrogenase (NAD(+)) 3 non-catalytic subunit beta; minus strand). Cytogenetic location: 20p13.
Variant type: single nucleotide variant.
Coding change: c.916-10C>T on transcript NM_006899.5 (MANE Select); 10 bases into the intron before coding-DNA position 916, C replaced by T.
Molecular consequence: intron variant.
Genome position (GRCh38, 1-based): chr20:2,659,803, G>A on the plus strand (C>T on the coding strand, the complement: IDH3B is on the minus strand). VCF-style: chr20-2659803-G-A. GRCh37 (hg19) VCF-style: chr20-2640449-G-A.
Other names: c.916-10C>T (NM_174855.4, NM_001330763.2, NM_001258384.3 and 1 more transcripts).
Identifiers: ClinVar variation 338019 (VCV000338019.16), dbSNP rs202127751, ClinGen allele CA9735135.

ClinVar aggregate classification (germline): Conflicting classifications of pathogenicity. Review status: criteria provided, conflicting classifications (1 of 4 stars). 5 submissions from 5 submitters: Uncertain significance (1); Likely benign (2). 2 of the submissions do not count toward it. Last evaluated 2026-01-13.

Conditions:
Retinal dystrophy. Also called: Inherited retinal dystrophy. Identifiers: Orphanet 71862, MedGen C0854723, MeSH D058499, MONDO:0019118, HP:0000556.
Retinitis pigmentosa (RP). Identifiers: Orphanet 791, MedGen C0035334, MeSH D012174, MONDO:0019200, OMIM 268000. Inheritance: Autosomal dominant, autosomal recessive and X linked inheritance.
IDH3B-related disorder. Also called: IDH3B-related condition.

Allele frequency attached by ClinVar (database versions not stated): ESP Exome Variant Server 0.00008; ExAC 0.00024; gnomAD 0.00025 and 0.00026; TOPMed 0.00026; gnomAD exomes 0.00031.
gnomAD v4.1: 254 of 1,604,986 alleles (0.016%); highest among the groups gnomAD compares: Admixed American, 0.052%; 1 homozygote.

Submissions (5):

Labcorp Genetics (formerly Invitae), Labcorp
Classification: Likely benign. Last evaluated: 2026-01-13. Review status: criteria provided, single submitter. Criteria: Invitae Variant Classification Sherloc (09022015). Collection method: clinical testing. Allele origin: germline.

Blueprint Genetics
Classification: Likely benign. Last evaluated: 2024-04-12. Review status: criteria provided, single submitter. Criteria: ACMG Guidelines, 2015. Collection method: clinical testing. Allele origin: germline.

Illumina Laboratory Services, Illumina
Classification: Uncertain significance for Retinitis pigmentosa. Last evaluated: 2018-01-13. Review status: criteria provided, single submitter. Criteria: ICSL Variant Classification Criteria 13 December 2019. Collection method: clinical testing. Allele origin: germline.

Institute of Human Genetics, Univ. Regensburg, Univ. Regensburg
Classification: Uncertain significance for Retinal dystrophy. Last evaluated: 2023-01-01. Review status: no assertion criteria provided. Criteria: ACMG Guidelines, 2015. Collection method: clinical testing. Allele origin: germline. Affected: yes. Not counted in ClinVar's aggregate classification.

PreventionGenetics, part of Exact Sciences
Classification: Likely benign for IDH3B-related condition. Last evaluated: 2019-07-22. Review status: no assertion criteria provided. Collection method: clinical testing. Allele origin: germline. Not counted in ClinVar's aggregate classification.
Comment: This variant is classified as likely benign based on ACMG/AMP sequence variant interpretation guidelines (Richards et al. 2015 PMID: 25741868, with internal and published modifications).